The following continues an entry in ClinVar:

NM_000256.3(MYBPC3):c.3763G>A (p.Ala1255Thr)

Gene: MYBPC3. ClinVar aggregate classification (germline): Conflicting classifications of pathogenicity. Likely pathogenic (1); Uncertain significance (11); Likely benign (1).

Submissions 7 to 13 of 13:

ARUP Laboratories, Molecular Genetics and Genomics, ARUP Laboratories
Classification: Uncertain significance. Last evaluated: 2023-11-17. Review status: criteria provided, single submitter. Criteria: ARUP Molecular Germline Variant Investigation Process 2024. Collection method: clinical testing. Allele origin: germline.
Comment: The MYBPC3 c.3763G>A; p.Ala1255Thr variant (rs727503167) is reported in the literature in numerous individuals affected with hypertrophic cardiomyopathy, including one individual with a pathogenic variant in trans in the same gene (Coppini 2014, Field 2022, Lopes 2013, Mademont-Soler 2017, Richard 2003). This variant has also been seen in one individual with dilated cardiomyopathy with a truncating variant in a different gene (Janin 2017). This variant is found in the general population with an overall allele frequency of 0.007% (19/280,328 alleles) in the Genome Aggregation Database (v2.1.1). An in vitro minigene assay demonstrates this variant does not affect splicing (Ito 2017). However computational analyses predict that this variant is deleterious (REVEL: 0.84). Due to conflicting information, the clinical significance of this variant is uncertain at this time. References: Coppini R et al. Clinical phenotype and outcome of hypertrophic cardiomyopathy associated with thin-filament gene mutations. J Am Coll Cardiol. 2014 Dec 23;64(24):2589-2600. PMID: 25524337. Field E et al. Cardiac myosin binding protein-C variants in paediatric-onset hypertrophic cardiomyopathy: natural history and clinical outcomes. J Med Genet. 2022 Aug;59(8):768-775. PMID: 34400558. Ito K et al. Identification of pathogenic gene mutations in LMNA and MYBPC3 that alter RNA splicing. Proc Natl Acad Sci U S A. 2017 Jul 18;114(29):7689-7694. PMID: 28679633. Janin A et al. Truncating mutations on myofibrillar myopathies causing genes as prevalent molecular explanations on patients with dilated cardiomyopathy. Clin Genet. 2017 Dec;92(6):616-623. PMID: 28436997. Lopes LR et al. Genetic complexity in hypertrophic cardiomyopathy revealed by high-throughput sequencing. J Med Genet. 2013 Apr;50(4):228-39. PMID: 23396983. Mademont-Soler I et al. Additional value of screening for minor genes and copy number variants in hypertrophic cardiomyopathy. PLoS One. 2017 Aug 3;12(8):e0181465. PMID: 28771489. Richard P et al. Hypertrophic cardiomyopathy: distribution of disease genes, spectrum of mutations, and implications for a molecular diagnosis strategy. Circulation. 2003 May 6;107(17):2227-32. PMID: 12707239.

Blueprint Genetics
Classification: Likely pathogenic for MYBPC3-related disorders. Last evaluated: 2023-10-09. Review status: criteria provided, single submitter. Criteria: ACMG Guidelines, 2015. Collection method: clinical testing. Allele origin: germline. Affected: yes. Observed: 1 variant allele.

CHEO Genetics Diagnostic Laboratory, Children's Hospital of Eastern Ontario
Classification: Uncertain significance for Cardiomyopathy. Last evaluated: 2022-05-12. Review status: criteria provided, single submitter. Criteria: ACMG Guidelines, 2015. Collection method: clinical testing. Allele origin: germline.

Ambry Genetics
Classification: Likely benign for Cardiovascular phenotype. Last evaluated: 2021-10-11. Review status: criteria provided, single submitter. Criteria: Ambry Variant Classification Scheme 2023. Collection method: clinical testing. Allele origin: germline.

Laboratory for Molecular Medicine, Mass General Brigham Personalized Medicine
Classification: Uncertain significance. Last evaluated: 2019-08-02. Review status: criteria provided, single submitter. Criteria: LMM Criteria. Collection method: clinical testing. Allele origin: germline. Observed: 2 variant alleles.
Comment: The p.Ala1255Thr variant in MYBPC3 has been identified in 7 individuals with hypertrophic cardiomyopathy, including one individual who also carried a heterozygous, likely pathogenic variant in another gene (Richard 2003, Lopes 2013, Coppini 2014, Walsh 2017, LMM data). It was also reported in 1 individual with DCM who also carried a frameshift variant in FLNC (Janin 2017). It has been identified in 0.028% (10/35350) of Latino chromosomes by gnomAD and reported in ClinVar (Variation ID# 164023). Computational prediction tools and conservation analysis suggest that the p.Ala1255Thr variant may impact the protein, though this information is not predictive enough to determine pathogenicity. In summary, the clinical significance of this variant is uncertain. ACMG/AMP Criteria applied: BS1_Supporting, PP3.

Mendelics
Classification: Uncertain significance for Hypertrophic cardiomyopathy 4. Last evaluated: 2019-05-28. Review status: criteria provided, single submitter. Criteria: Mendelics Assertion Criteria 2017. Collection method: clinical testing. Allele origin: unknown.

CeGaT Center for Human Genetics Tuebingen
Classification: Uncertain significance. Last evaluated: 2017-01-01. Review status: criteria provided, single submitter. Criteria: CeGaT Center For Human Genetics Tuebingen Variant Classification Criteria Version 2. Collection method: clinical testing. Allele origin: germline. Affected: yes. Observed: 1 variant allele.

Literature cited by the submitters: PubMed 12707239 (cited by 6 submitters); PubMed 20031618 (cited by 5 submitters); PubMed 23396983 (cited by 6 submitters); PubMed 25351510 (cited by 5 submitters); PubMed 25524337 (cited by 6 submitters); PubMed 27532257 (cited by 7 submitters); PubMed 33782553 (cited by 4 submitters); PubMed 34400558 (cited by Labcorp Genetics (formerly Invitae), Labcorp and Women's Health and Genetics/Laboratory Corporation of America, LabCorp); PubMed 38002985 (cited by Labcorp Genetics (formerly Invitae), Labcorp and Women's Health and Genetics/Laboratory Corporation of America, LabCorp); PubMed 24793961 (cited by Women's Health and Genetics/Laboratory Corporation of America, LabCorp); PubMed 28679633 (cited by 3 submitters); PubMed 28771489 (cited by 4 submitters); PubMed 29875424 (cited by Women's Health and Genetics/Laboratory Corporation of America, LabCorp); PubMed 33874732 (cited by 3 submitters); PubMed 28436997 (cited by 6 submitters); PubMed 37652022 (cited by Women's Health and Genetics/Laboratory Corporation of America, LabCorp); PubMed 37194601 (cited by All of Us Research Program, National Institutes of Health and Color Diagnostics, LLC DBA Color Health); PubMed 37477868 (cited by All of Us Research Program, National Institutes of Health and Color Diagnostics, LLC DBA Color Health); PubMed 30696458 (cited by Molecular Genetics, Royal Melbourne Hospital); PubMed 38836037 (cited by Molecular Genetics, Royal Melbourne Hospital).